The following is an entry in ClinVar:

NM_014639.4(SKIC3):c.2003C>A (p.Ala668Asp)

Gene: SKIC3 (SKI3 subunit of superkiller complex; minus strand). Cytogenetic location: 5q15.
Variant type: single nucleotide variant.
Coding change: c.2003C>A on transcript NM_014639.4 (MANE Select); coding-DNA position 2003, C replaced by A.
Protein change: p.Ala668Asp; replaces alanine 668 with aspartic acid.
Molecular consequence: missense variant.
Genome position (GRCh38, 1-based): chr5:95,522,062, G>T on the plus strand (C>A on the coding strand, the complement: SKIC3 is on the minus strand). VCF-style: chr5-95522062-G-T. GRCh37 (hg19) VCF-style: chr5-94857766-G-T.
Other names: short protein forms A668D.
Identifiers: ClinVar variation 1897255 (VCV001897255.5), dbSNP rs1278143035, ClinGen allele CA360462522.

ClinVar aggregate classification (germline): Uncertain significance (1 of 4 stars; one submission).

Allele frequency attached by ClinVar (database versions not stated): gnomAD 0.00001; gnomAD exomes 0.00001; TOPMed 0.00001.
gnomAD v4.1: 5 of 1,613,320 alleles (0.00031%); highest among the groups gnomAD compares: Admixed American, 0.0067%; no homozygotes.

Submission:

Labcorp Genetics (formerly Invitae), Labcorp
Classification: Uncertain significance. Last evaluated: 2025-03-10. Review status: criteria provided, single submitter. Criteria: Invitae Variant Classification Sherloc (09022015). Collection method: clinical testing. Allele origin: germline.
Comment: This sequence change replaces alanine, which is neutral and non-polar, with aspartic acid, which is acidic and polar, at codon 668 of the TTC37 protein (p.Ala668Asp). This variant is present in population databases (no rsID available, gnomAD 0.003%). This variant has not been reported in the literature in individuals affected with TTC37-related conditions. ClinVar contains an entry for this variant (Variation ID: 1897255). An algorithm developed to predict the effect of missense changes on protein structure and function (PolyPhen-2) suggests that this variant is likely to be disruptive. In summary, the available evidence is currently insufficient to determine the role of this variant in disease. Therefore, it has been classified as a Variant of Uncertain Significance.